The following is an entry in ClinVar:

NM_004260.4(RECQL4):c.3590G>T (p.Gly1197Val)

Gene: RECQL4 (RecQ like helicase 4; minus strand). Cytogenetic location: 8q24.3.
Variant type: single nucleotide variant.
Coding change: c.3590G>T on transcript NM_004260.4 (MANE Select); coding-DNA position 3590, G replaced by T.
Protein change: p.Gly1197Val; replaces glycine 1197 with valine.
Molecular consequence: missense variant. On other transcripts: non-coding transcript variant (3).
Genome position (GRCh38, 1-based): chr8:144,511,468, C>A on the plus strand (G>T on the coding strand, the complement: RECQL4 is on the minus strand). VCF-style: chr8-144511468-C-A. GRCh37 (hg19) VCF-style: chr8-145736851-C-A.
Other names: c.3296G>T, p.Gly1099Val (NM_001413017.1); c.3392G>T, p.Gly1131Val (NM_001413018.1); c.3665G>T, p.Gly1222Val (NM_001413019.1); c.3494G>T, p.Gly1165Val (NM_001413020.1); c.2519G>T, p.Gly840Val (NM_001413021.1, NM_001413022.1, NM_001413024.1 and 4 more transcripts); c.2594G>T, p.Gly865Val (NM_001413023.1); c.3461G>T, p.Gly1154Val (NM_001413025.1); c.2453G>T, p.Gly818Val (NM_001413027.1, NM_001413030.1, NM_001413032.1); and 9 more; short protein forms G1080V, G1099V, G1131V, G1153V, G1154V, G1165V, G1187V, G1197V.
Identifiers: ClinVar variation 4863148 (VCV004863148.1).

ClinVar aggregate classification (germline): Uncertain significance (1 of 4 stars; one submission).

Conditions:
Inborn genetic diseases. Identifiers: MedGen C0950123, MeSH D030342.

gnomAD v4.1: 4 of 1,612,548 alleles (0.00025%); highest among the groups gnomAD compares: Non-Finnish European, 0.00034%; no homozygotes.

Submission:

Ambry Genetics
Classification: Uncertain significance for Inborn genetic diseases. Last evaluated: 2026-03-25. Review status: criteria provided, single submitter. Criteria: Ambry Variant Classification Scheme 2023. Collection method: clinical testing. Allele origin: germline.
Comment: The p.G1197V variant (also known as c.3590G>T), located in coding exon 21 of the RECQL4 gene, results from a G to T substitution at nucleotide position 3590. The glycine at codon 1197 is replaced by valine, an amino acid with dissimilar properties. This amino acid position is conserved. In addition, this alteration is predicted to be tolerated by in silico analysis. Based on the available evidence, the clinical significance of this variant remains unclear.